The following is an entry in ClinVar:

NM_001378454.1(ALMS1):c.4405C>A (p.Pro1469Thr)

Gene: ALMS1 (ALMS1 centrosome and basal body associated protein; plus strand). Cytogenetic location: 2p13.1.
Variant type: single nucleotide variant.
Coding change: c.4405C>A on transcript NM_001378454.1 (MANE Select); coding-DNA position 4405, C replaced by A.
Protein change: p.Pro1469Thr; replaces proline 1469 with threonine.
Molecular consequence: missense variant.
Genome position (GRCh38, 1-based): chr2:73,450,932, C>A. VCF-style: chr2-73450932-C-A. GRCh37 (hg19) VCF-style: chr2-73678059-C-A.
Other names: c.4408C>A, p.Pro1470Thr (NM_015120.4); short protein forms P1470T, P1469T.
Identifiers: ClinVar variation 393373 (VCV000393373.23), dbSNP rs373638043, ClinGen allele CA1713706.

ClinVar aggregate classification (germline): Conflicting classifications of pathogenicity. Review status: criteria provided, conflicting classifications (1 of 4 stars). 10 submissions from 10 submitters: Uncertain significance (7); Likely benign (1). 2 of the submissions do not count toward it. Last evaluated 2025-10-02.

Conditions:
Cardiovascular phenotype. Identifiers: MedGen CN230736.
Monogenic diabetes. Identifiers: Orphanet 183625, MedGen C3888631, MONDO:0015967.
Alstrom syndrome (ALMS). Identifiers: Orphanet 64, MedGen C0268425, MONDO:0008763, OMIM 203800.

Allele frequency attached by ClinVar (database versions not stated): ExAC 0.00002; gnomAD exomes 0.00003 and 0.00004; gnomAD 0.00005 and 0.00006; TOPMed 0.00009; ESP Exome Variant Server 0.00017.
gnomAD v4.1: 46 of 1,613,822 alleles (0.0029%); highest among the groups gnomAD compares: Admixed American, 0.0083%; no homozygotes.

Submissions (10):

GeneDx
Classification: Uncertain significance. Last evaluated: 2025-10-02. Review status: criteria provided, single submitter. Criteria: GeneDx Variant Classification Process June 2021. Collection method: clinical testing. Allele origin: germline. Affected: yes.
Comment: Not observed at significant frequency in large population cohorts (gnomAD); In silico analysis suggests that this missense variant does not alter protein structure/function; Has not been previously published as pathogenic or benign to our knowledge

Labcorp Genetics (formerly Invitae), Labcorp
Classification: Uncertain significance for Alstrom syndrome. Last evaluated: 2024-11-02. Review status: criteria provided, single submitter. Criteria: Invitae Variant Classification Sherloc (09022015). Collection method: clinical testing. Allele origin: germline.
Comment: This sequence change replaces proline, which is neutral and non-polar, with threonine, which is neutral and polar, at codon 1470 of the ALMS1 protein (p.Pro1470Thr). This variant is present in population databases (rs373638043, gnomAD 0.01%). This variant has not been reported in the literature in individuals affected with ALMS1-related conditions. ClinVar contains an entry for this variant (Variation ID: 393373). An algorithm developed to predict the effect of missense changes on protein structure and function outputs the following: PolyPhen-2: "Not Available". The threonine amino acid residue is found in multiple mammalian species, which suggests that this missense change does not adversely affect protein function. In summary, the available evidence is currently insufficient to determine the role of this variant in disease. Therefore, it has been classified as a Variant of Uncertain Significance.

Ambry Genetics
Classification: Likely benign for Cardiovascular phenotype. Last evaluated: 2024-04-17. Review status: criteria provided, single submitter. Criteria: Ambry Variant Classification Scheme 2023. Collection method: clinical testing. Allele origin: germline.

Blueprint Genetics
Classification: Uncertain significance. Last evaluated: 2023-03-16. Review status: criteria provided, single submitter. Criteria: ACMG Guidelines, 2015. Collection method: clinical testing. Allele origin: germline.

Fulgent Genetics
Classification: Uncertain significance for Alstrom syndrome. Last evaluated: 2022-03-11. Review status: criteria provided, single submitter. Criteria: ACMG Guidelines, 2015. Collection method: clinical testing. Allele origin: unknown.

Women's Health and Genetics/Laboratory Corporation of America, LabCorp
Classification: Uncertain significance. Last evaluated: 2020-06-29. Review status: criteria provided, single submitter. Criteria: LabCorp Variant Classification Summary - May 2015. Collection method: clinical testing. Allele origin: germline.
Comment: Variant summary: ALMS1 c.4402C>A (p.Pro1468Thr, also known as c.4408C>A, p.P1470T) results in a non-conservative amino acid change in the encoded protein sequence. Three of five in-silico tools predict a benign effect of the variant on protein function. The variant allele was found at a frequency of 4.4e-05 in 249216 control chromosomes. This frequency is not significantly higher than expected for a pathogenic variant in ALMS1 causing Cardiomyopathy (4.4e-05 vs 0.0022), allowing no conclusion about variant significance. To our knowledge, no occurrence of c.4402C>A in individuals affected with Cardiomyopathy and no experimental evidence demonstrating its impact on protein function have been reported. Two clinical diagnostic laboratories have submitted clinical-significance assessments for this variant to ClinVar after 2014 without evidence for independent evaluation. Both laboratories classified the variant as uncertain significance. Based on the evidence outlined above, the variant was classified as uncertain significance.

Personalized Diabetes Medicine Program, University of Maryland School of Medicine
Classification: Uncertain significance for Monogenic diabetes. Last evaluated: 2015-08-07. Review status: criteria provided, single submitter. Criteria: ACMG Guidelines, 2015. Collection method: research. Allele origin: unknown. Observed: 1 variant allele, 1 heterozygote.
Comment: ACMG Criteria: PP3, BP4

Clinical Genomics, Uppaluri K&H Personalized Medicine Clinic
Classification: Uncertain significance for Alstrom syndrome. Review status: criteria provided, single submitter. Criteria: K & H Uppaluri Personalized Medicine Clinic Variant Classification & Assertion Criteria_Updated V.1. Collection method: research. Allele origin: unknown. Inheritance: Autosomal recessive inheritance.
Comment: Potent mutations in ALMS1 are associated with a rare condition called Alstrom syndrome. It can cause excessive eating, insulin resistance. However, no evidence is found to ascertain the role of rs373638043 in Alstrom syndrome yet.

Natera, Inc.
Classification: Uncertain significance for Alstrom syndrome. Last evaluated: 2021-03-12. Review status: no assertion criteria provided. Collection method: clinical testing. Allele origin: germline. Not counted in ClinVar's aggregate classification.

Counsyl
Classification: Uncertain significance for Alstrom syndrome. Last evaluated: 2017-05-04. Review status: no assertion criteria provided. Collection method: clinical testing. Allele origin: unknown. Not counted in ClinVar's aggregate classification.

Literature cited by the submitters: PubMed 34148947 (cited by Clinical Genomics, Uppaluri K&H Personalized Medicine Clinic); PubMed 33669459 (cited by Clinical Genomics, Uppaluri K&H Personalized Medicine Clinic); PubMed 30421101 (cited by Clinical Genomics, Uppaluri K&H Personalized Medicine Clinic); PubMed 25846608 (cited by Clinical Genomics, Uppaluri K&H Personalized Medicine Clinic).